The following is an entry in ClinVar:

NM_004187.5(KDM5C):c.1836C>T (p.Ala612=)

Gene: KDM5C (lysine demethylase 5C; minus strand). Cytogenetic location: Xp11.22.
Variant type: single nucleotide variant.
Coding change: c.1836C>T on transcript NM_004187.5 (MANE Select); coding-DNA position 1836, C replaced by T.
Protein change: p.Ala612=; no amino-acid change (alanine 612 retained).
Molecular consequence: synonymous variant. On other transcripts: non-coding transcript variant (3).
Genome position (GRCh38, 1-based): chrX:53,201,884, G>A on the plus strand (C>T on the coding strand, the complement: KDM5C is on the minus strand). VCF-style: chrX-53201884-G-A. GRCh37 (hg19) VCF-style: chrX-53231066-G-A.
Other names: c.1635C>T, p.Ala545= (NM_001146702.2); c.1833C>T, p.Ala611= (NM_001282622.3, NM_001353979.2, NM_001353982.2); c.1836C>T, p.Ala612= (NM_001353978.3, NM_001353981.2, NM_001353984.2).
Identifiers: ClinVar variation 3035595 (VCV003035595.6), dbSNP rs373804164, ClinGen allele CA10419484.

ClinVar aggregate classification (germline): Likely benign. Review status: criteria provided, multiple submitters, no conflicts (2 of 4 stars). 4 submissions from 4 submitters: Likely benign (3). 1 of the submissions does not count toward it. Last evaluated 2026-06-14.

Conditions:
KDM5C-related disorder. Also called: KDM5C-related condition.
Spastic paraplegia. Identifiers: MedGen C0037772, HP:0001258.

Allele frequency attached by ClinVar (database versions not stated): gnomAD exomes 0.00002; TOPMed 0.00002; gnomAD 0.00003; ExAC 0.00005; ESP Exome Variant Server 0.00009.
gnomAD v4.1: 28 of 1,210,298 alleles (0.0023%); highest among the groups gnomAD compares: East Asian, 0.0059%; no homozygotes.

Submissions (4):

Women's Health and Genetics/Laboratory Corporation of America, LabCorp
Classification: Likely benign. Last evaluated: 2026-06-14. Review status: criteria provided, single submitter. Criteria: LabCorp Variant Classification Summary - May 2015. Collection method: clinical testing. Allele origin: germline.

Labcorp Genetics (formerly Invitae), Labcorp
Classification: Likely benign for Spastic paraplegia. Last evaluated: 2025-04-29. Review status: criteria provided, single submitter. Criteria: Invitae Variant Classification Sherloc (09022015). Collection method: clinical testing. Allele origin: germline.

Blueprint Genetics
Classification: Likely benign. Last evaluated: 2024-05-13. Review status: criteria provided, single submitter. Criteria: ACMG Guidelines, 2015. Collection method: clinical testing. Allele origin: germline.

PreventionGenetics, part of Exact Sciences
Classification: Likely benign for KDM5C-related condition. Last evaluated: 2019-08-08. Review status: no assertion criteria provided. Collection method: clinical testing. Allele origin: germline. Not counted in ClinVar's aggregate classification.
Comment: This variant is classified as likely benign based on ACMG/AMP sequence variant interpretation guidelines (Richards et al. 2015 PMID: 25741868, with internal and published modifications).